The following is an entry in ClinVar:

ClinVar aggregate classification (germline): Likely pathogenic (1 of 4 stars; one submission).

Conditions:
Von Hippel-Lindau syndrome (VHLS). Also called: von Hippel–Lindau syndrome; VHL syndrome; Von Hippel-Lindau. Identifiers: Orphanet 892, MedGen C0019562, MONDO:0008667, OMIM 193300. Disease mechanism: loss of function.
Chuvash polycythemia. Also called: POLYCYTHEMIA, VHL-DEPENDENT. Identifiers: Orphanet 238557, MedGen C1837915, MONDO:0009892, OMIM 263400.

Submission:

Labcorp Genetics (formerly Invitae), Labcorp
Classification: Likely pathogenic for Von Hippel-Lindau syndrome; Chuvash polycythemia. Last evaluated: 2025-07-30. Review status: criteria provided, single submitter. Criteria: Invitae Variant Classification Sherloc (09022015). Collection method: clinical testing. Allele origin: germline.
Comment: This sequence change replaces aspartic acid, which is acidic and polar, with valine, which is neutral and non-polar, at codon 121 of the VHL protein (p.Asp121Val). This variant is not present in population databases (gnomAD no frequency). This variant has not been reported in the literature in individuals affected with VHL-related conditions. ClinVar contains an entry for this variant (Variation ID: 949664). Invitae Evidence Modeling of protein sequence and biophysical properties (such as structural, functional, and spatial information, amino acid conservation, physicochemical variation, residue mobility, and thermodynamic stability) indicates that this missense variant is expected to disrupt VHL protein function with a positive predictive value of 95%. This variant disrupts the p.Asp121 amino acid residue in VHL. Other variant(s) that disrupt this residue have been determined to be pathogenic (PMID: 16142346, 16572651, 25557216). This suggests that this residue is clinically significant, and that variants that disrupt this residue are likely to be disease-causing. In summary, the currently available evidence indicates that the variant is pathogenic, but additional data are needed to prove that conclusively. Therefore, this variant has been classified as Likely Pathogenic.

Literature cited by the submitters: PubMed 16142346; PubMed 16572651; PubMed 25557216.

NM_000551.4(VHL):c.362A>T (p.Asp121Val)

Genes: VHL (von Hippel-Lindau tumor suppressor; plus strand), LOC107303340 (3p25 von Hippel-Lindau tumor suppressor, E3 ubiquitin protein ligase Alu-mediated recombination region; plus strand). Cytogenetic location: 3p25.3.
Variant type: single nucleotide variant.
Coding change: c.362A>T on transcript NM_000551.4 (MANE Select); coding-DNA position 362, A replaced by T.
Protein change: p.Asp121Val; replaces aspartic acid 121 with valine.
Molecular consequence: missense variant. On other transcripts: intron variant (2).
Genome position (GRCh38, 1-based): chr3:10,146,535, A>T. VCF-style: chr3-10146535-A-T. GRCh37 (hg19) VCF-style: chr3-10188219-A-T.
Other names: c.*18-3252A>T (NM_001354723.2); c.341-3252A>T (NM_198156.3); short protein forms D121V.
Identifiers: ClinVar variation 949664 (VCV000949664.10), dbSNP rs5030832, ClinGen allele CA351753756.
Genomic context (GRCh38, chr3:10,146,535, plus strand): 5'-CCGGTGTGGCTCTTTAACAACCTTTGCTTGTCCCGATAGGTCACCTTTGGCTCTTCAGAG[A>T]TGCAGGGACACACGATGGGCTTCTGGTTAACCAAACTGAATTATTTGTGCCATCTCTCAA-3'
Protein context (NP_000542.1, residues 111-131): SYRGHLWLFR[Asp121Val]AGTHDGLLVN